The following is an entry in ClinVar:

ClinVar aggregate classification (germline): Benign/Likely benign. Review status: criteria provided, multiple submitters, no conflicts (2 of 4 stars). 7 submissions from 5 submitters: Benign (2); Likely benign (5). Last evaluated 2026-04-01.

Conditions:
Age related macular degeneration 9. Identifiers: MedGen C1969651, MONDO:0012659, OMIM 611378.
Atypical hemolytic-uremic syndrome with C3 anomaly. Also called: AHUS, SUSCEPTIBILITY TO, 5. Identifiers: Orphanet 2134, MedGen C2752037, MONDO:0013043, OMIM 612925.
Kidney disorder. Also called: Kidney disease; Kidney Diseases; renal disease; renal disorder; Nephropathy. Identifiers: MedGen C0022658, MONDO:0005240, HP:0000112.
Complement component 3 deficiency. Identifiers: Orphanet 280133, MedGen C3151071, MONDO:0013417, OMIM 613779.

Allele frequency attached by ClinVar (database versions not stated): gnomAD 0.00016; TOPMed 0.00038; gnomAD exomes 0.00139; ExAC 0.00158; 1000 Genomes Project 30x 0.00281; 1000 Genomes Project 0.00300.
gnomAD v4.1: 1,189 of 1,613,672 alleles (0.074%); highest among the groups gnomAD compares: South Asian, 0.81%; 9 homozygotes.

Submissions (7):

CeGaT Center for Human Genetics Tuebingen
Classification: Likely benign. Last evaluated: 2026-04-01. Review status: criteria provided, single submitter. Criteria: CeGaT Center For Human Genetics Tuebingen Variant Classification Criteria Version 2. Collection method: clinical testing. Allele origin: germline. Affected: yes. Observed: 3 variant alleles.
Comment: C3: BP4, BP7

Labcorp Genetics (formerly Invitae), Labcorp
Classification: Benign. Last evaluated: 2025-12-15. Review status: criteria provided, single submitter. Criteria: Invitae Variant Classification Sherloc (09022015). Collection method: clinical testing. Allele origin: germline.

Blueprint Genetics
Classification: Likely benign. Last evaluated: 2024-11-26. Review status: criteria provided, single submitter. Criteria: ACMG Guidelines, 2015. Collection method: clinical testing. Allele origin: germline.

Genome Diagnostics Laboratory, The Hospital for Sick Children
Classification: Likely benign for Kidney disorder. Last evaluated: 2022-08-16. Review status: criteria provided, single submitter. Criteria: ACMG Guidelines, 2015. Collection method: clinical testing. Allele origin: germline.

Illumina Laboratory Services, Illumina
Classification: Likely benign for Age related macular degeneration 9. Last evaluated: 2018-01-13. Review status: criteria provided, single submitter. Criteria: ICSL Variant Classification Criteria 13 December 2019. Collection method: clinical testing. Allele origin: germline.
Comment: This variant was observed in the ICSL laboratory as part of a predisposition screen in an ostensibly healthy population. It had not been previously curated by ICSL or reported in the Human Gene Mutation Database (HGMD: prior to June 1st, 2018), and was therefore a candidate for classification through an automated scoring system. Utilizing variant allele frequency, disease prevalence and penetrance estimates, and inheritance mode, an automated score was calculated to assess if this variant is too frequent to cause the disease. Based on the score and internal cut-off values, a variant classified as likely benign is not then subjected to further curation. The score for this variant resulted in a classification of likely benign for this disease.

Illumina Laboratory Services, Illumina
Classification: Benign for Atypical hemolytic-uremic syndrome with C3 anomaly. Last evaluated: 2018-01-13. Review status: criteria provided, single submitter. Criteria: ICSL Variant Classification Criteria 13 December 2019. Collection method: clinical testing. Allele origin: germline.
Comment: This variant was observed in the ICSL laboratory as part of a predisposition screen in an ostensibly healthy population. It had not been previously curated by ICSL or reported in the Human Gene Mutation Database (HGMD: prior to June 1st, 2018), and was therefore a candidate for classification through an automated scoring system. Utilizing variant allele frequency, disease prevalence and penetrance estimates, and inheritance mode, an automated score was calculated to assess if this variant is too frequent to cause the disease. Based on the score and internal cut-off values, a variant classified as benign is not then subjected to further curation. The score for this variant resulted in a classification of benign for this disease.

Illumina Laboratory Services, Illumina
Classification: Likely benign for Complement component 3 deficiency. Last evaluated: 2018-01-13. Review status: criteria provided, single submitter. Criteria: ICSL Variant Classification Criteria 13 December 2019. Collection method: clinical testing. Allele origin: germline.
Comment: the same text as in the submission from Illumina Laboratory Services, Illumina above.

NM_000064.4(C3):c.1623C>T (p.Ser541=)

Gene: C3 (complement C3; minus strand). Cytogenetic location: 19p13.3.
Variant type: single nucleotide variant.
Coding change: c.1623C>T on transcript NM_000064.4 (MANE Select); coding-DNA position 1623, C replaced by T.
Protein change: p.Ser541=; no amino-acid change (serine 541 retained).
Molecular consequence: synonymous variant.
Genome position (GRCh38, 1-based): chr19:6,710,702, G>A on the plus strand (C>T on the coding strand, the complement: C3 is on the minus strand). VCF-style: chr19-6710702-G-A. GRCh37 (hg19) VCF-style: chr19-6710713-G-A.
Other names: c.1623C>T (LRG_27t1).
Identifiers: ClinVar variation 330323 (VCV000330323.49), dbSNP rs202078483, ClinGen allele CA9129393.